The following is an entry in ClinVar:

ClinVar aggregate classification (germline): Uncertain significance (1 of 4 stars; one submission).

Allele frequency attached by ClinVar (database versions not stated): gnomAD exomes below 0.00001; gnomAD 0.00002; TOPMed 0.00002; ESP Exome Variant Server 0.00008.
gnomAD v4.1: 6 of 1,601,188 alleles (0.00037%); highest among the groups gnomAD compares: African/African-American, 0.004%; no homozygotes.

Submission:

Labcorp Genetics (formerly Invitae), Labcorp
Classification: Uncertain significance. Last evaluated: 2023-03-27. Review status: criteria provided, single submitter. Criteria: Invitae Variant Classification Sherloc (09022015). Collection method: clinical testing. Allele origin: germline.
Comment: Advanced modeling of protein sequence and biophysical properties (such as structural, functional, and spatial information, amino acid conservation, physicochemical variation, residue mobility, and thermodynamic stability) performed at Invitae indicates that this missense variant is not expected to disrupt MYO7A protein function. ClinVar contains an entry for this variant (Variation ID: 1022128). In summary, the available evidence is currently insufficient to determine the role of this variant in disease. Therefore, it has been classified as a Variant of Uncertain Significance. This variant has not been reported in the literature in individuals affected with MYO7A-related conditions. This variant is not present in population databases (gnomAD no frequency). This sequence change replaces threonine, which is neutral and polar, with serine, which is neutral and polar, at codon 1789 of the MYO7A protein (p.Thr1789Ser).

NM_000260.4(MYO7A):c.5365A>T (p.Thr1789Ser)

Gene: MYO7A (myosin VIIA; plus strand). Cytogenetic location: 11q13.5.
Variant type: single nucleotide variant.
Coding change: c.5365A>T on transcript NM_000260.4 (MANE Select); coding-DNA position 5365, A replaced by T.
Protein change: p.Thr1789Ser; replaces threonine 1789 with serine.
Molecular consequence: missense variant.
Genome position (GRCh38, 1-based): chr11:77,204,114, A>T. VCF-style: chr11-77204114-A-T. GRCh37 (hg19) VCF-style: chr11-76915159-A-T.
Other names: c.5251A>T, p.Thr1751Ser (NM_001127180.2); c.5218A>T, p.Thr1740Ser (NM_001369365.1); short protein forms T1740S, T1751S, T1789S.
Identifiers: ClinVar variation 1022128 (VCV001022128.8), dbSNP rs368531412, ClinGen allele CA224853223.
Genomic context (GRCh38, chr11:77,204,114, plus strand): 5'-GCCCTTCCTTGACAGTCCCCAGCTGTGCTCAAGTACATGGGCGACTACCCGTCCAAGAGG[A>T]CACGCTCCGTCAACGAGCTCACCGACCAGATCTTTGAGGGTCCCCTGAAAGCCGAGCCCC-3'
Protein context (NP_000251.3, residues 1779-1799): KYMGDYPSKR[Thr1789Ser]RSVNELTDQI